The following is an entry in ClinVar:

ClinVar aggregate classification (germline): Conflicting classifications of pathogenicity. Review status: criteria provided, conflicting classifications (1 of 4 stars). 7 submissions from 7 submitters: Uncertain significance (2); Likely benign (4). 1 of the submissions does not count toward it. Last evaluated 2026-09-01.

Conditions:
SEC23B-related disorder. Also called: SEC23B-related condition; SEC23B-related disorders.
Congenital dyserythropoietic anemia, type II (CDAN2). Also called: DYSERYTHROPOIETIC ANEMIA, HEMPAS TYPE. Identifiers: Orphanet 98873, MedGen C1306589, MONDO:0009134, OMIM 224100.
Cowden syndrome 7 (CWS7). Identifiers: Orphanet 201, MedGen C4225179, MONDO:0014802, OMIM 616858.

Allele frequency attached by ClinVar (database versions not stated): gnomAD exomes 0.00056 and 0.00047; ESP Exome Variant Server 0.00085; gnomAD 0.00040; TOPMed 0.00046; ExAC 0.00047.
gnomAD v4.1: 872 of 1,614,198 alleles (0.054%); highest among the groups gnomAD compares: South Asian, 0.087%; no homozygotes.

Submissions (7):

CeGaT Center for Human Genetics Tuebingen
Classification: Likely benign. Last evaluated: 2026-09-01. Review status: criteria provided, single submitter. Criteria: CeGaT Center For Human Genetics Tuebingen Variant Classification Criteria Version 2. Collection method: clinical testing. Allele origin: germline. Affected: yes. Observed: 11 variant alleles.
Comment: SEC23B: BP4, BP7

Labcorp Genetics (formerly Invitae), Labcorp
Classification: Likely benign for Congenital dyserythropoietic anemia, type II; Cowden syndrome 7. Last evaluated: 2026-01-22. Review status: criteria provided, single submitter. Criteria: Invitae Variant Classification Sherloc (09022015). Collection method: clinical testing. Allele origin: germline.

ARUP Laboratories, Molecular Genetics and Genomics, ARUP Laboratories
Classification: Likely benign. Last evaluated: 2025-05-07. Review status: criteria provided, single submitter. Criteria: ARUP Molecular Germline Variant Investigation Process 2024. Collection method: clinical testing. Allele origin: germline.

Blueprint Genetics
Classification: Likely benign. Last evaluated: 2024-11-25. Review status: criteria provided, single submitter. Criteria: ACMG Guidelines, 2015. Collection method: clinical testing. Allele origin: germline.

Illumina Laboratory Services, Illumina
Classification: Uncertain significance for Congenital dyserythropoietic anemia, type II. Last evaluated: 2018-01-12. Review status: criteria provided, single submitter. Criteria: ICSL Variant Classification Criteria 13 December 2019. Collection method: clinical testing. Allele origin: germline.

Eurofins Ntd Llc (ga)
Classification: Uncertain significance. Last evaluated: 2016-03-24. Review status: criteria provided, single submitter. Criteria: EGL Classification Definitions 2015. Collection method: clinical testing. Allele origin: germline. Observed: 1 variant allele, 1 heterozygote.

PreventionGenetics, part of Exact Sciences
Classification: Likely benign for SEC23B-related condition. Last evaluated: 2020-07-13. Review status: no assertion criteria provided. Collection method: clinical testing. Allele origin: germline. Not counted in ClinVar's aggregate classification.
Comment: This variant is classified as likely benign based on ACMG/AMP sequence variant interpretation guidelines (Richards et al. 2015 PMID: 25741868, with internal and published modifications).

NM_006363.6(SEC23B):c.519G>A (p.Val173=)

Genes: SEC23B (SEC23 homolog B, COPII component; plus strand), LOC126862987 (MED14-independent group 3 enhancer GRCh37_chr20:18504796-18505995; plus strand). Cytogenetic location: 20p11.23.
Variant type: single nucleotide variant.
Coding change: c.519G>A on transcript NM_006363.6 (MANE Select); coding-DNA position 519, G replaced by A.
Protein change: p.Val173=; no amino-acid change (valine 173 retained).
Molecular consequence: synonymous variant.
Genome position (GRCh38, 1-based): chr20:18,524,585, G>A. VCF-style: chr20-18524585-G-A. GRCh37 (hg19) VCF-style: chr20-18505229-G-A.
Other names: c.519G>A, p.Val173= (NM_001172745.3, NM_032985.6, NM_032986.5); c.465G>A, p.Val155= (NM_001172746.3).
Identifiers: ClinVar variation 287056 (VCV000287056.50), dbSNP rs138314893, ClinGen allele CA9778047.